The following is an entry in ClinVar:

ClinVar aggregate classification (germline): Uncertain significance (1 of 4 stars; one submission).

Conditions:
Inborn genetic diseases. Identifiers: MedGen C0950123, MeSH D030342.

Submission:

Ambry Genetics
Classification: Uncertain significance for Inborn genetic diseases. Last evaluated: 2025-12-21. Review status: criteria provided, single submitter. Criteria: Ambry Variant Classification Scheme 2023. Collection method: clinical testing. Allele origin: germline.
Comment: The p.S916G variant (also known as c.2746A>G), located in coding exon 1 of the SAMD9L gene, results from an A to G substitution at nucleotide position 2746. The serine at codon 916 is replaced by glycine, an amino acid with similar properties. This amino acid position is conserved. In addition, this alteration is predicted to be tolerated by in silico analysis. Based on the available evidence, the clinical significance of this variant remains unclear.

NM_152703.5(SAMD9L):c.2746A>G (p.Ser916Gly)

Gene: SAMD9L (sterile alpha motif domain containing 9 like; minus strand). Cytogenetic location: 7q21.2.
Variant type: single nucleotide variant.
Coding change: c.2746A>G on transcript NM_152703.5 (MANE Select); coding-DNA position 2746, A replaced by G.
Protein change: p.Ser916Gly; replaces serine 916 with glycine.
Molecular consequence: missense variant.
Genome position (GRCh38, 1-based): chr7:93,133,226, T>C on the plus strand (A>G on the coding strand, the complement: SAMD9L is on the minus strand). VCF-style: chr7-93133226-T-C. GRCh37 (hg19) VCF-style: chr7-92762539-T-C.
Other names: c.2746A>G, p.Ser916Gly (NM_001303496.3, NM_001303497.3, NM_001303498.3 and 5 more transcripts); short protein forms S916G.
Identifiers: ClinVar variation 4841997 (VCV004841997.1).
Genomic context (GRCh38, chr7:93,133,226, plus strand): 5'-TAGAGTCAGTAACATAAGAGCTGAGTAAAGCCAGGAAGGAAATGAGTTGTGCTTCCTTGC[T>C]GTCAACATCCTGTCCTTTTAGGATATTCCTGACTACATTTTCTATATATGTTTCATCAAA-3'
Protein context (NP_689916.2, residues 906-926): RNILKGQDVD[Ser916Gly]KEAQLISFLA